The following is an entry in ClinVar:

ClinVar aggregate classification (germline): Uncertain significance (1 of 4 stars; one submission).

Submission:

GeneDx
Classification: Uncertain significance. Last evaluated: 2021-04-07. Review status: criteria provided, single submitter. Criteria: GeneDx Variant Classification Process June 2021. Collection method: clinical testing. Allele origin: germline. Affected: yes.
Comment: Not observed in large population cohorts (Lek et al., 2016); In silico analysis supports that this missense variant does not alter protein structure/function; Has not been previously published as pathogenic or benign to our knowledge

NM_003108.4(SOX11):c.628G>A (p.Gly210Ser)

Gene: SOX11 (SRY-box transcription factor 11; plus strand). Cytogenetic location: 2p25.2.
Variant type: single nucleotide variant.
Coding change: c.628G>A on transcript NM_003108.4 (MANE Select); coding-DNA position 628, G replaced by A.
Protein change: p.Gly210Ser; replaces glycine 210 with serine.
Molecular consequence: missense variant.
Genome position (GRCh38, 1-based): chr2:5,693,349, G>A. VCF-style: chr2-5693349-G-A. GRCh37 (hg19) VCF-style: chr2-5833481-G-A.
Other names: short protein forms G210S.
Identifiers: ClinVar variation 1314331 (VCV001314331.2), dbSNP rs748010810, ClinGen allele CA345867102.